The following is an entry in ClinVar:

NM_002617.4(PEX10):c.776+1G>C

Gene: PEX10 (peroxisomal biogenesis factor 10; minus strand). Cytogenetic location: 1p36.32.
Variant type: single nucleotide variant.
Coding change: c.776+1G>C on transcript NM_002617.4 (MANE Select); the canonical splice donor site of the intron after coding-DNA position 776, G replaced by C.
Molecular consequence: splice donor variant.
Genome position (GRCh38, 1-based): chr1:2,406,719, C>G on the plus strand (G>C on the coding strand, the complement: PEX10 is on the minus strand). VCF-style: chr1-2406719-C-G. GRCh37 (hg19) VCF-style: chr1-2338158-C-G.
Other names: c.344+1G>C (NM_001374427.1); c.401+1G>C (NM_001374426.1); c.833+1G>C (NM_001374425.1); c.836+1G>C (NM_153818.2).
Identifiers: ClinVar variation 225040 (VCV000225040.10), dbSNP rs869312935, ClinGen allele CA358179.

ClinVar aggregate classification (germline): Pathogenic/Likely pathogenic. Review status: criteria provided, multiple submitters, no conflicts (2 of 4 stars). 3 submissions from 3 submitters: Pathogenic (1); Likely pathogenic (2). Last evaluated 2025-03-28.

Conditions:
Inborn genetic diseases. Identifiers: MedGen C0950123, MeSH D030342.
Peroxisome biogenesis disorder, complementation group 7 (CG7). Also called: Peroxisome biogenesis disorder, complementation group B. Identifiers: MedGen C1864399.
Zellweger spectrum disorders (ZS). Also called: Zellweger Spectrum Disorder; Zellweger Spectrum; Zellweger Spectrum Disorder (ZSD); Zellweger syndrome. Identifiers: Orphanet 912, MedGen C0043459, MONDO:0019609.

Allele frequency attached by ClinVar (database versions not stated): gnomAD exomes below 0.00001.
gnomAD v4.1: 1 of 1,609,168 alleles (0.000062%); highest among the groups gnomAD compares: Non-Finnish European, 0.000085%; no homozygotes.

Submissions (3):

Natera, Inc.
Classification: Likely pathogenic for Zellweger syndrome. Last evaluated: 2025-03-28. Review status: criteria provided, single submitter. Criteria: Natera Variant Classification Schema (03/2026). Collection method: clinical testing. Allele origin: germline.
Comment: The c.836+1G>C variant in PEX10 is a canonical splice donor site variant predicted to affect pre-mRNA splicing, which may result in an abnormal transcript and altered protein product. This variant is expected to result in nonsense mediated decay, truncation, or a dysfunctional protein product. This variant is rare in the general population with a frequency below the threshold expected for the associated phenotype(s). Given the available evidence, this variant is classified as Likely Pathogenic.

Labcorp Genetics (formerly Invitae), Labcorp
Classification: Likely pathogenic for Peroxisome biogenesis disorder, complementation group 7. Last evaluated: 2022-06-17. Review status: criteria provided, single submitter. Criteria: Invitae Variant Classification Sherloc (09022015). Collection method: clinical testing. Allele origin: germline.
Comment: In summary, the currently available evidence indicates that the variant is pathogenic, but additional data are needed to prove that conclusively. Therefore, this variant has been classified as Likely Pathogenic. Algorithms developed to predict the effect of sequence changes on RNA splicing suggest that this variant may disrupt the consensus splice site. ClinVar contains an entry for this variant (Variation ID: 225040). This variant has not been reported in the literature in individuals affected with PEX10-related conditions. This variant is not present in population databases (gnomAD no frequency). This sequence change affects a donor splice site in intron 4 of the PEX10 gene. It is expected to disrupt RNA splicing. Variants that disrupt the donor or acceptor splice site typically lead to a loss of protein function (PMID: 16199547), and loss-of-function variants in PEX10 are known to be pathogenic (PMID: 9683594, 10862081, 21031596).

Ambry Genetics
Classification: Pathogenic for Inborn genetic diseases. Last evaluated: 2012-08-30. Review status: criteria provided, single submitter. Criteria: Ambry Autosomal Dominant and X-Linked criteria (10/2015). Collection method: clinical testing. Allele origin: germline. Observed: 1 variant allele.

Literature cited by the submitters: PubMed 16199547 (cited by Labcorp Genetics (formerly Invitae), Labcorp); PubMed 9683594 (cited by Labcorp Genetics (formerly Invitae), Labcorp); PubMed 10862081 (cited by Labcorp Genetics (formerly Invitae), Labcorp); PubMed 21031596 (cited by Labcorp Genetics (formerly Invitae), Labcorp).